The following continues an entry in ClinVar:

NM_000256.3(MYBPC3):c.2905C>T (p.Gln969Ter)

Gene: MYBPC3. ClinVar aggregate classification (germline): Pathogenic. Pathogenic (18).

Submissions 15 to 23 of 23:

Center of Genomic medicine, Geneva, University Hospital of Geneva
Classification: Pathogenic for Hypertrophic cardiomyopathy. Last evaluated: 2017-11-20. Review status: criteria provided, single submitter. Criteria: ACMG Guidelines, 2015. Collection method: clinical testing. Allele origin: maternal. Affected: yes.

Genome Diagnostics Laboratory, University Medical Center Utrecht
Classification: Pathogenic for Hypertrophic cardiomyopathy 4. Last evaluated: 2016-05-26. Review status: criteria provided, single submitter. Criteria: ACGS Guidelines, 2013. Collection method: clinical testing. Allele origin: germline. Affected: yes. Study: VKGL Data-share Consensus.

Agnes Ginges Centre for Molecular Cardiology, Centenary Institute
Classification: Pathogenic for Hypertrophic cardiomyopathy 1. Last evaluated: 2015-07-21. Review status: criteria provided, single submitter. Criteria: Agnes Ginges Centre for Molecular Cardiology criteria (2015). Collection method: research. Allele origin: germline. Inheritance: Autosomal dominant inheritance. Affected: yes.
Comment: The MYBPC3 Gln969* variant has been observed in multiple unrelated HCM cases (Roncarati R, et al., 2011; Van Driest SL, et al., 2004; Yu B, et al., 1998) and absent in >150 controls (Van Driest SL, et al., 2004; Roncarati R, et al., 2011). Furthermore, this variant is absent from both the 1000 genomes project and Exome Aggregation Consortium dataset. We have identified the MYBPC3 Gln969* variant in an HCM family where two additional variants in MYBPC3 (Arg668His; "uncertain significance") and MYH7 (Arg1079Gln; "uncertain significance") have also been observed in the family (Girolami F, et al., 2010). This MYBPC3 variant results in a premature stop codon in place of glutamine (Gln) at position 969 and predicted to result in a truncated protein. Given that loss-of-function variants in MYBPC3 are an established mechanism of disease in HCM, and that MYBPC3 Gln969* has been observed in other cases of familial HCM, we classify this variant as "pathogenic".

Genetics and Genomics Program, Sidra Medicine
Classification: Pathogenic for Hypertrophic cardiomyopathy. Review status: criteria provided, single submitter. Criteria: ACMG Guidelines, 2015. Collection method: research. Allele origin: unknown. Affected: yes. Observed: 1 variant allele.

Laboratory for Molecular Medicine, Mass General Brigham Personalized Medicine
Classification: Pathogenic for Hypertrophic cardiomyopathy. Last evaluated: 2011-11-18. Review status: no assertion criteria provided. Collection method: clinical testing. Allele origin: germline. Observed: 9 variant alleles. Not counted in ClinVar's aggregate classification.
Comment: The Gln969X variant has been reported in the literature in at least 2 individual s with clinical features of HCM (Yu 1998, Van Driest 2004) and in our laboratory in three other individuals with HCM. The Gln969X variant leads to a premature s top at codon 969. This alteration is predicted to lead to a truncated or absent protein. Loss of function variants are an established mechanism of disease for t he MYBPC3 gene. It should be noted that this variant was seen in one family alo ng with a second likely pathogenic variant, suggesting that this variant may hav e a milder effect. In summary, the Gln969X variant is highly likely to be patho genic.

Clinical Genetics DNA and cytogenetics Diagnostics Lab, Erasmus MC, Erasmus Medical Center
Classification: Pathogenic. Review status: no assertion criteria provided. Collection method: clinical testing. Allele origin: germline. Affected: yes. Study: VKGL Data-share Consensus. Not counted in ClinVar's aggregate classification.

Diagnostic Laboratory, Department of Genetics, University Medical Center Groningen
Classification: Pathogenic for Hypertrophic cardiomyopathy 4. Review status: no assertion criteria provided. Collection method: clinical testing. Allele origin: germline. Affected: yes. Study: VKGL Data-share Consensus. Not counted in ClinVar's aggregate classification.

Joint Genome Diagnostic Labs from Nijmegen and Maastricht, Radboudumc and MUMC+
Classification: Pathogenic. Review status: no assertion criteria provided. Collection method: clinical testing. Allele origin: germline. Affected: yes. Study: VKGL Data-share Consensus. Not counted in ClinVar's aggregate classification.

Zaffran Lab, Genetics of Cardiac Diseases Laboratory, Marseille Medical Genetics
Classification: Pathogenic for hypertrophic cardiomyopathy. Review status: no assertion criteria provided. Collection method: research. Allele origin: unknown. Affected: yes. Not counted in ClinVar's aggregate classification.

Literature cited by the submitters: PubMed 19574547 (cited by Labcorp Genetics (formerly Invitae), Labcorp); PubMed 9541104 (cited by 5 submitters); PubMed 27532257 (cited by 3 submitters); PubMed 32841044 (cited by Victorian Clinical Genetics Services, Murdoch Childrens Research Institute); PubMed 33673806 (cited by All of Us Research Program, National Institutes of Health and Color Diagnostics, LLC DBA Color Health); PubMed 34137518 (cited by All of Us Research Program, National Institutes of Health and Color Diagnostics, LLC DBA Color Health); PubMed 35653365 (cited by All of Us Research Program, National Institutes of Health and Color Diagnostics, LLC DBA Color Health); PubMed 36203036 (cited by All of Us Research Program, National Institutes of Health and Color Diagnostics, LLC DBA Color Health); PubMed 20359594 (cited by Agnes Ginges Centre for Molecular Cardiology, Centenary Institute and Laboratory for Molecular Medicine, Mass General Brigham Personalized Medicine); PubMed 15519027 (cited by Agnes Ginges Centre for Molecular Cardiology, Centenary Institute and Laboratory for Molecular Medicine, Mass General Brigham Personalized Medicine); PubMed 21302287 (cited by Agnes Ginges Centre for Molecular Cardiology, Centenary Institute).